The following is an entry in ClinVar:

NM_001379291.1(BRD4):c.2458A>G (p.Ile820Val)

Gene: BRD4 (bromodomain containing 4; minus strand). Cytogenetic location: 19p13.12.
Variant type: single nucleotide variant.
Coding change: c.2458A>G on transcript NM_001379291.1 (MANE Select); coding-DNA position 2458, A replaced by G.
Protein change: p.Ile820Val; replaces isoleucine 820 with valine.
Molecular consequence: missense variant.
Genome position (GRCh38, 1-based): chr19:15,244,354, T>C on the plus strand (A>G on the coding strand, the complement: BRD4 is on the minus strand). VCF-style: chr19-15244354-T-C. GRCh37 (hg19) VCF-style: chr19-15355165-T-C.
Other names: c.2458A>G, p.Ile820Val (NM_058243.3); short protein forms I820V.
Identifiers: ClinVar variation 2912502 (VCV002912502.25), dbSNP rs202038315, ClinGen allele CA9264944.
Genomic context (GRCh38, chr19:15,244,354, plus strand): 5'-GCAGGTGAGGGGGCAGCTCAGGCTGCGGCAGGTGCAGGATGGGCTGGGTGAAGTGGCCGA[T>C]GGGGTCAAAGACGCTGCCTGGGAGCTGGGGCTCCAGGACGGGCACCTGGGTGGCAATGAA-3'
Protein context (NP_001366220.1, residues 810-830): PQLPGSVFDP[Ile820Val]GHFTQPILHL

ClinVar aggregate classification (germline): Conflicting classifications of pathogenicity. Review status: criteria provided, conflicting classifications (1 of 4 stars). 2 submissions from 2 submitters: Uncertain significance (1); Likely benign (1). Last evaluated 2023-12-01.

Allele frequency attached by ClinVar (database versions not stated): TOPMed 0.00005; ExAC 0.00008; gnomAD 0.00009; gnomAD exomes 0.00027.
gnomAD v4.1: 393 of 1,597,280 alleles (0.025%); highest among the groups gnomAD compares: Non-Finnish European, 0.033%; 1 homozygote.

Submissions (2):

CeGaT Center for Human Genetics Tuebingen
Classification: Likely benign. Last evaluated: 2023-12-01. Review status: criteria provided, single submitter. Criteria: CeGaT Center For Human Genetics Tuebingen Variant Classification Criteria Version 2. Collection method: clinical testing. Allele origin: germline. Affected: yes. Observed: 1 variant allele.
Comment: BRD4: BS2

Labcorp Genetics (formerly Invitae), Labcorp
Classification: Uncertain significance. Last evaluated: 2023-07-26. Review status: criteria provided, single submitter. Criteria: Invitae Variant Classification Sherloc (09022015). Collection method: clinical testing. Allele origin: germline.
Comment: In summary, the available evidence is currently insufficient to determine the role of this variant in disease. Therefore, it has been classified as a Variant of Uncertain Significance. Advanced modeling of protein sequence and biophysical properties (such as structural, functional, and spatial information, amino acid conservation, physicochemical variation, residue mobility, and thermodynamic stability) performed at Invitae indicates that this missense variant is not expected to disrupt BRD4 protein function. This variant has not been reported in the literature in individuals affected with BRD4-related conditions. This variant is present in population databases (rs202038315, gnomAD 0.01%). This sequence change replaces isoleucine, which is neutral and non-polar, with valine, which is neutral and non-polar, at codon 820 of the BRD4 protein (p.Ile820Val).